The following is an entry in ClinVar:

NM_003049.4(SLC10A1):c.714T>C (p.Tyr238=)

Gene: SLC10A1 (solute carrier family 10 member 1; minus strand). Cytogenetic location: 14q24.1.
Variant type: single nucleotide variant.
Coding change: c.714T>C on transcript NM_003049.4 (MANE Select); coding-DNA position 714, T replaced by C.
Protein change: p.Tyr238=; no amino-acid change (tyrosine 238 retained).
Molecular consequence: synonymous variant.
Genome position (GRCh38, 1-based): chr14:69,779,214, A>G on the plus strand (T>C on the coding strand, the complement: SLC10A1 is on the minus strand). VCF-style: chr14-69779214-A-G. GRCh37 (hg19) VCF-style: chr14-70245931-A-G.
Identifiers: ClinVar variation 3031136 (VCV003031136.2), dbSNP rs767107021, ClinGen allele CA262951536.
Genomic context (GRCh38, chr14:69,779,214, plus strand): 5'-CTTTCTTAAAAAAAAAAAAAATACCTACCGTCCATTGAGGCAGAAGAGAGCAGAGAGAAC[A>G]TAACCCAGCAGAAAGCCAATAAAAGGCATCAGGGAGGAGGTGGCAATCAAGAGTGGTGTC-3'
Protein context (NP_003040.1, residues 228-248): LMPFIGFLLG[Tyr238=]VLSALFCLNG

ClinVar aggregate classification (germline): Likely benign (0 of 4 stars; one submission).

Conditions:
SLC10A1-related disorder. Also called: SLC10A1-related condition.

Allele frequency attached by ClinVar (database versions not stated): TOPMed below 0.00001; gnomAD 0.00001; gnomAD exomes 0.00001.

Submission:

PreventionGenetics, part of Exact Sciences
Classification: Likely benign for SLC10A1-related condition. Last evaluated: 2021-07-21. Review status: no assertion criteria provided. Collection method: clinical testing. Allele origin: germline.
Comment: This variant is classified as likely benign based on ACMG/AMP sequence variant interpretation guidelines (Richards et al. 2015 PMID: 25741868, with internal and published modifications).